The following is an entry in ClinVar:

ClinVar aggregate classification (germline): Uncertain significance. Review status: criteria provided, multiple submitters, no conflicts (2 of 4 stars). 4 submissions from 4 submitters: Uncertain significance (4). Last evaluated 2025-07-16.

Conditions:
Hereditary cancer-predisposing syndrome. Also called: Hereditary neoplastic syndrome; Neoplastic Syndromes, Hereditary; Tumor predisposition; Hereditary Cancer Syndrome. Identifiers: Orphanet 140162, MedGen C0027672, MeSH D009386, MONDO:0015356.
Familial adenomatous polyposis 1 (FAP1). Also called: FAMILIAL ADENOMATOUS POLYPOSIS 1, ATTENUATED; POLYPOSIS, ADENOMATOUS INTESTINAL. Identifiers: MedGen C2713442, MONDO:0021056, OMIM 175100. Disease mechanism: loss of function.
Classic or attenuated familial adenomatous polyposis. Identifiers: MedGen CN372698, MONDO:0021057.

gnomAD v4.1: 1 of 1,614,122 alleles (0.000062%); highest among the groups gnomAD compares: Non-Finnish European, 0.000085%; no homozygotes.

Submissions (4):

Labcorp Genetics (formerly Invitae), Labcorp
Classification: Uncertain significance for Familial adenomatous polyposis 1. Last evaluated: 2025-07-16. Review status: criteria provided, single submitter. Criteria: Invitae Variant Classification Sherloc (09022015). Collection method: clinical testing. Allele origin: germline.
Comment: This sequence change replaces proline, which is neutral and non-polar, with alanine, which is neutral and non-polar, at codon 1361 of the APC protein (p.Pro1361Ala). This variant is not present in population databases (gnomAD no frequency). This variant has not been reported in the literature in individuals affected with APC-related conditions. ClinVar contains an entry for this variant (Variation ID: 1509192). Invitae Evidence Modeling of protein sequence and biophysical properties (such as structural, functional, and spatial information, amino acid conservation, physicochemical variation, residue mobility, and thermodynamic stability) indicates that this missense variant is not expected to disrupt APC protein function with a negative predictive value of 95%. In summary, the available evidence is currently insufficient to determine the role of this variant in disease. Therefore, it has been classified as a Variant of Uncertain Significance.

Ambry Genetics
Classification: Uncertain significance for Hereditary cancer-predisposing syndrome. Last evaluated: 2024-12-10. Review status: criteria provided, single submitter. Criteria: Ambry Variant Classification Scheme 2023. Collection method: clinical testing. Allele origin: germline.
Comment: The p.P1361A variant (also known as c.4081C>G), located in coding exon 15 of the APC gene, results from a C to G substitution at nucleotide position 4081. The proline at codon 1361 is replaced by alanine, an amino acid with highly similar properties. This amino acid position is highly conserved in available vertebrate species. In addition, in silico predictors for this gene do not accurately predict pathogenicity. Since supporting evidence is limited at this time, the clinical significance of this alteration remains unclear.

Baylor Genetics
Classification: Uncertain significance for Familial adenomatous polyposis 1. Last evaluated: 2023-08-21. Review status: criteria provided, single submitter. Criteria: ACMG Guidelines, 2015. Collection method: clinical testing. Allele origin: unknown.

All of Us Research Program, National Institutes of Health
Classification: Uncertain significance for Classic or attenuated familial adenomatous polyposis. Last evaluated: 2023-06-28. Review status: criteria provided, single submitter. Criteria: ACMG Guidelines, 2015. Collection method: clinical testing. Allele origin: germline. Inheritance: Autosomal dominant inheritance. Observed: 1 variant allele, 1 heterozygote.
Comment: This study involves interpretation of variants in research participants for the purpose of population health screening. Participant phenotype was not available at the time of variant classification. Additional details can be found in publication PMID: 35346344, PMCID: PMC8962531

NM_000038.6(APC):c.4081C>G (p.Pro1361Ala)

Gene: APC (APC regulator of Wnt signaling pathway; plus strand). Cytogenetic location: 5q22.2.
Variant type: single nucleotide variant.
Coding change: c.4081C>G on transcript NM_000038.6 (MANE Select); coding-DNA position 4081, C replaced by G.
Protein change: p.Pro1361Ala; replaces proline 1361 with alanine.
Molecular consequence: missense variant.
Genome position (GRCh38, 1-based): chr5:112,839,675, C>G. VCF-style: chr5-112839675-C-G. GRCh37 (hg19) VCF-style: chr5-112175372-C-G.
Other names: c.4081C>G, p.Pro1361Ala (NM_001127510.3, NM_001354895.2); c.4027C>G, p.Pro1343Ala (NM_001127511.3); c.4135C>G, p.Pro1379Ala (NM_001354896.2); c.4111C>G, p.Pro1371Ala (NM_001354897.2); c.4006C>G, p.Pro1336Ala (NM_001354898.2); c.3997C>G, p.Pro1333Ala (NM_001354899.2); c.3958C>G, p.Pro1320Ala (NM_001354900.2); c.3904C>G, p.Pro1302Ala (NM_001354901.2); and 5 more; short protein forms P1270A, P1371A, P1078A, P1235A, P1333A, P1302A, P1320A, P1336A.
Identifiers: ClinVar variation 1509192 (VCV001509192.11), dbSNP rs2149905923, ClinGen allele CA16030270.